The following is an entry in ClinVar:

NM_001101362.3(KBTBD13):c.483C>A (p.Ser161Arg)

Gene: KBTBD13 (kelch repeat and BTB domain containing 13; plus strand). Cytogenetic location: 15q22.31.
Variant type: single nucleotide variant.
Coding change: c.483C>A on transcript NM_001101362.3 (MANE Select); coding-DNA position 483, C replaced by A.
Protein change: p.Ser161Arg; replaces serine 161 with arginine.
Molecular consequence: missense variant.
Genome position (GRCh38, 1-based): chr15:65,077,298, C>A. VCF-style: chr15-65077298-C-A. GRCh37 (hg19) VCF-style: chr15-65369636-C-A.
Other names: p.Ser161Arg; c.483C>A (NM_001101362.2); short protein forms S161R.
Identifiers: ClinVar variation 1359977 (VCV001359977.7), dbSNP rs1464339145, ClinGen allele CA392861037.
Genomic context (GRCh38, chr15:65,077,298, plus strand): 5'-GCTGCCTGAGGCCCGCGCCTACGTGGCGGCCCTGCGGCCCAGCAGCTACGCGGCCGTGAG[C>A]ACGCACACGCCCGCGCCCGGCTTCCTGGAGGACGCCTCGCGCACGCTGTGTTACCTGGAC-3'
Protein context (NP_001094832.1, residues 151-171): ALRPSSYAAV[Ser161Arg]THTPAPGFLE

ClinVar aggregate classification (germline): Uncertain significance. Review status: criteria provided, multiple submitters, no conflicts (2 of 4 stars). 2 submissions from 2 submitters: Uncertain significance (2). Last evaluated 2025-07-25.

Conditions:
Nemaline myopathy 6 (NEM6). Also called: Nemaline myopathy 6, autosomal dominant. Identifiers: Orphanet 171439, MedGen C1836472, MONDO:0012237, OMIM 609273.

Allele frequency attached by ClinVar (database versions not stated): TOPMed 0.00002; gnomAD 0.00003 and 0.00004; gnomAD exomes 0.00005.

Submissions (2):

Mayo Clinic Laboratories, Mayo Clinic
Classification: Uncertain significance. Last evaluated: 2025-07-25. Review status: criteria provided, single submitter. Criteria: ACMG Guidelines, 2015. Collection method: clinical testing. Allele origin: germline. Observed: 1 variant allele.
Comment: BS2

Labcorp Genetics (formerly Invitae), Labcorp
Classification: Uncertain significance for Nemaline myopathy 6. Last evaluated: 2025-01-13. Review status: criteria provided, single submitter. Criteria: Invitae Variant Classification Sherloc (09022015). Collection method: clinical testing. Allele origin: germline.
Comment: This sequence change replaces serine, which is neutral and polar, with arginine, which is basic and polar, at codon 161 of the KBTBD13 protein (p.Ser161Arg). This variant is not present in population databases (gnomAD no frequency). This variant has not been reported in the literature in individuals affected with KBTBD13-related conditions. ClinVar contains an entry for this variant (Variation ID: 1359977). Invitae Evidence Modeling of protein sequence and biophysical properties (such as structural, functional, and spatial information, amino acid conservation, physicochemical variation, residue mobility, and thermodynamic stability) indicates that this missense variant is not expected to disrupt KBTBD13 protein function with a negative predictive value of 80%. In summary, the available evidence is currently insufficient to determine the role of this variant in disease. Therefore, it has been classified as a Variant of Uncertain Significance.